The following is an entry in ClinVar:

NM_002024.6(FMR1):c.1126-2A>T

Gene: FMR1 (fragile X messenger ribonucleoprotein 1; plus strand). Cytogenetic location: Xq27.3.
Variant type: single nucleotide variant.
Coding change: c.1126-2A>T on transcript NM_002024.6 (MANE Select); the canonical splice acceptor site of the intron before coding-DNA position 1126, A replaced by T.
Molecular consequence: splice acceptor variant. On other transcripts: intron variant (3).
Genome position (GRCh38, 1-based): chrX:147,938,097, A>T. VCF-style: chrX-147938097-A-T. GRCh37 (hg19) VCF-style: chrX-147019616-A-T.
Other names: NC_000023.10:g.147019616A>T; c.1126-2A>T (NM_001185075.2); c.1125+497A>T (NM_001185076.2, NM_001185082.2, NM_001185081.2).
Identifiers: ClinVar variation 2441533 (VCV002441533.5), dbSNP rs1557180015, ClinGen allele CA414443329.
Genomic context (GRCh38, chrX:147,938,097, plus strand): 5'-AGGCTTCTGTGTATCGTTTGTTATAGTTAATGACATCCCTTGCATTCCTTATACTGCTTT[A>T]GGTGTTAGTGGCTTCATCAGTTGTAGCAGGGGAATCCCAGAAACCTGAACTCAAGGCTTG-3'

ClinVar aggregate classification (germline): Uncertain significance. Review status: criteria provided, multiple submitters, no conflicts (2 of 4 stars). 2 submissions from 2 submitters: Uncertain significance (2). Last evaluated 2026-04-06.

Conditions:
Fragile X syndrome. Also called: Fragile X syndrome, type A; MARKER X SYNDROME; MARTIN-BELL SYNDROME; MENTAL RETARDATION, X-LINKED, ASSOCIATED WITH marXq28; X-LINKED MENTAL RETARDATION AND MACROORCHIDISM; Fra(X) syndrome. Identifiers: Orphanet 449291, Orphanet 908, MedGen C0016667, MONDO:0010383, OMIM 300624. Disease mechanism: loss of function.

Allele frequency attached by ClinVar (database versions not stated): gnomAD exomes below 0.00001.
gnomAD v4.1: 1 of 1,202,782 alleles (0.000083%); highest among the groups gnomAD compares: South Asian, 0.0018%; no homozygotes.

Submissions (4):

Victorian Clinical Genetics Services, Murdoch Childrens Research Institute
Classification: Uncertain significance for Fragile X syndrome. Last evaluated: 2026-04-06. Review status: criteria provided, single submitter. Criteria: ACMG Guidelines, 2015. Collection method: clinical testing. Allele origin: germline. Affected: no.
Comment: This variant is classified as VUS-3C. Evidence in support of pathogenic classification: Canonical splice site variant without proven consequence on splicing (no functional evidence available); Variant is present in gnomAD <0.001 for a dominant condition (v4: 0 heterozygote(s), 0 homozygote(s), 1 hemizygote(s)); Abnormal splicing is predicted by in silico tool and affected nucleotide is highly conserved. Evidence in support of benign classification: Another canonical splice site variant comparable to the one identified in this case has limited previous evidence for being BENIGN. c.1126-1G>A, which is seen in 210 hemizygotes in gnomAD v4, has been classified as likely benign by clinical laboratories in ClinVar. Additional information: This variant is heterozygous; This gene is associated with X-linked dominant disease; Alternative nucleotide change(s) at the same canonical splice site are present in gnomAD (highest allele count: v4: 476 heterozygote(s), 1 homozygote(s), 210 hemizygote(s)); Previous evidence of pathogenicity for this variant is inconclusive. This variant has been classified as a VUS by a clinical laboratory in ClinVar; No published evidence of segregation with disease has been identified for this variant; No published functional evidence has been identified for this variant; Loss of function and gain of function are known mechanisms of disease in this gene and are associated with fragile X tremor/ataxia syndrome (MIM#300623), fragile X syndrome (MIM#300624), and premature ovarian failure 1 (MIM#311360). Premutation repeat expansions have a gain of function effect resulting in increased mRNA and gene expression. Variants resulting in a premature termination codon, or repeat expansion of over 200 repeats have a loss of function effect (PMID: 21516088, 11445641, 36250920).

Revvity Omics, Revvity
Classification: Uncertain significance. Last evaluated: 2020-12-14. Review status: criteria provided, single submitter. Criteria: ACMG Guidelines, 2015. Collection method: clinical testing. Allele origin: germline.

Dr. Peter K. Rogan Lab, Western University
No classification provided (evidence only). Condition: Nonpapillary renal cell carcinoma. Review status: no classification provided. Collection method: in vitro. Allele origin: not applicable. Functional consequence: retained intron. Not counted in ClinVar's aggregate classification.

Dr. Peter K. Rogan Lab, Western University
No classification provided (evidence only). Condition: Nonpapillary renal cell carcinoma. Review status: no classification provided. Collection method: in vitro. Allele origin: not applicable. Functional consequence: retained intron. Not counted in ClinVar's aggregate classification.

Literature cited by the submitters: PubMed 11445641 (cited by Victorian Clinical Genetics Services, Murdoch Childrens Research Institute); PubMed 21516088 (cited by Victorian Clinical Genetics Services, Murdoch Childrens Research Institute); PubMed 36250920 (cited by Victorian Clinical Genetics Services, Murdoch Childrens Research Institute).